The following is an entry in ClinVar:

NM_004656.4(BAP1):c.2057-5C>G

Gene: BAP1 (BRCA1 associated deubiquitinase 1; minus strand). Cytogenetic location: 3p21.1.
Variant type: single nucleotide variant.
Coding change: c.2057-5C>G on transcript NM_004656.4 (MANE Select); 5 bases into the intron before coding-DNA position 2057, C replaced by G.
Molecular consequence: intron variant.
Genome position (GRCh38, 1-based): chr3:52,402,426, G>C on the plus strand (C>G on the coding strand, the complement: BAP1 is on the minus strand). VCF-style: chr3-52402426-G-C. GRCh37 (hg19) VCF-style: chr3-52436442-G-C.
Other names: c.2057-5C>G (NM_004656.2).
Identifiers: ClinVar variation 2034585 (VCV002034585.6), dbSNP rs770925902, ClinGen allele CA645529861.

ClinVar aggregate classification (germline): Conflicting classifications of pathogenicity. Review status: criteria provided, conflicting classifications (1 of 4 stars). 3 submissions from 3 submitters: Uncertain significance (1); Likely benign (2). Last evaluated 2025-10-30.

Conditions:
BAP1-related tumor predisposition syndrome (TPDS1). Also called: COMMON Syndrome; TUMOR PREDISPOSITION SYNDROME 1; BAP1 tumor predisposition syndrome; Tumor susceptibility linked to germline BAP1 mutations. Identifiers: Orphanet 289539, MedGen C3280492, MONDO:0013692, OMIM 614327.
Hereditary cancer-predisposing syndrome. Also called: Hereditary Cancer Syndrome; Neoplastic Syndromes, Hereditary; Hereditary neoplastic syndrome; Tumor predisposition. Identifiers: Orphanet 140162, MedGen C0027672, MeSH D009386, MONDO:0015356.

Submissions (3):

Color Diagnostics, LLC DBA Color Health
Classification: Likely benign for Hereditary cancer-predisposing syndrome. Last evaluated: 2025-10-30. Review status: criteria provided, single submitter. Criteria: ACMG Guidelines, 2015. Collection method: clinical testing. Allele origin: germline.

Ambry Genetics
Classification: Uncertain significance for Hereditary cancer-predisposing syndrome. Last evaluated: 2024-04-02. Review status: criteria provided, single submitter. Criteria: Ambry Variant Classification Scheme 2023. Collection method: clinical testing. Allele origin: germline.
Comment: The c.2057-5C>G intronic variant results from a C to G substitution 5 nucleotides upstream from coding exon 17 in the BAP1 gene. This nucleotide position is not well conserved in available vertebrate species. In silico splice site analysis predicts that this alteration will not have any significant effect on splicing. Based on the available evidence, the clinical significance of this alteration remains unclear.

Labcorp Genetics (formerly Invitae), Labcorp
Classification: Likely benign for BAP1-related tumor predisposition syndrome. Last evaluated: 2024-01-21. Review status: criteria provided, single submitter. Criteria: Invitae Variant Classification Sherloc (09022015). Collection method: clinical testing. Allele origin: germline.